The following is an entry in ClinVar:

ClinVar aggregate classification (germline): Conflicting classifications of pathogenicity. Review status: criteria provided, conflicting classifications (1 of 4 stars). 2 submissions from 2 submitters: Likely pathogenic (1); Uncertain significance (1). Last evaluated 2026-02-26.

Conditions:
RBMX-related disorder. Also called: RBMX-related condition.

Submissions (2):

Institute for Human Genetics, University Hospital Essen
Classification: Likely pathogenic for RBMX related disorder. Last evaluated: 2026-02-26. Review status: criteria provided, single submitter. Criteria: ACMG Guidelines, 2015. Collection method: clinical testing. Allele origin: germline. Inheritance: X-linked inheritance. Affected: yes. Observed: 3 variant alleles, 3 hemizygotes.
Comment: PS3_mod, PM2_mod, PM4_mod

Blueprint Genetics
Classification: Uncertain significance. Last evaluated: 2020-04-03. Review status: criteria provided, single submitter. Criteria: ACMG Guidelines, 2015. Collection method: clinical testing. Allele origin: germline.

NM_002139.4(RBMX):c.1063dup (p.Arg355fs)

Genes: RBMX (RNA binding motif protein X-linked; minus strand), LOC126863330 (MED14-independent group 3 enhancer GRCh37_chrX:135956167-135957366; plus strand). Cytogenetic location: Xq26.3.
Variant type: Duplication.
Coding change: c.1063dup on transcript NM_002139.4 (MANE Select); coding-DNA position 1063, one base duplicated (A; older notation c.1063dupA).
Protein change: p.Arg355fs; shifts the reading frame from arginine 355.
Molecular consequence: frameshift variant. On other transcripts: non-coding transcript variant (2), intron variant (1).
Genome position (GRCh38, 1-based): chrX:136,874,255, T duplicated on the plus strand (A on the coding strand, the reverse complement: RBMX is on the minus strand); the first of 3 consecutive T bases (chrX:136,874,255-136,874,257); duplicating any one gives the same sequence. VCF-style (leftmost placement, unchanged base first): chrX-136874254-C-CT. GRCh37 (hg19) VCF-style: chrX-135956413-C-CT.
Other names: c.540+831dup (NM_001164803.2); short protein forms R355fs.
Identifiers: ClinVar variation 4813208 (VCV004813208.2).